The following is an entry in ClinVar:

ClinVar aggregate classification (germline): Uncertain significance (1 of 4 stars; one submission).

Conditions:
Tatton-Brown-Rahman overgrowth syndrome. Also called: Tall stature-intellectual disability-facial dysmorphism syndrome; Tatton-Brown-Rahman syndrome. Identifiers: Orphanet 404443, MedGen C4014545, MONDO:0014382, OMIM 615879.

Submission:

Labcorp Genetics (formerly Invitae), Labcorp
Classification: Uncertain significance for Tatton-Brown-Rahman overgrowth syndrome. Last evaluated: 2024-08-23. Review status: criteria provided, single submitter. Criteria: Invitae Variant Classification Sherloc (09022015). Collection method: clinical testing. Allele origin: germline.
Comment: This sequence change falls in intron 18 of the DNMT3A gene. It does not directly change the encoded amino acid sequence of the DNMT3A protein. This variant is not present in population databases (gnomAD no frequency). This variant has not been reported in the literature in individuals affected with DNMT3A-related conditions. Algorithms developed to predict the effect of sequence changes on RNA splicing suggest that this variant may create or strengthen a splice site. In summary, the available evidence is currently insufficient to determine the role of this variant in disease. Therefore, it has been classified as a Variant of Uncertain Significance.

NM_022552.5(DNMT3A):c.2174-7C>G

Gene: DNMT3A (DNA methyltransferase 3 alpha; minus strand). Cytogenetic location: 2p23.3.
Variant type: single nucleotide variant.
Coding change: c.2174-7C>G on transcript NM_022552.5 (MANE Select); 7 bases into the intron before coding-DNA position 2174, C replaced by G.
Molecular consequence: intron variant.
Genome position (GRCh38, 1-based): chr2:25,240,457, G>C on the plus strand (C>G on the coding strand, the complement: DNMT3A is on the minus strand). VCF-style: chr2-25240457-G-C. GRCh37 (hg19) VCF-style: chr2-25463326-G-C.
Other names: c.2174-7C>G (NM_175629.2); c.1607-7C>G (NM_153759.3); c.1718-7C>G (NM_001320893.1); c.1505-7C>G (NM_001375819.1).
Identifiers: ClinVar variation 3663300 (VCV003663300.2).
Genomic context (GRCh38, chr2:25,240,457, plus strand): 5'-GCCGCGCATCATGCAGGAGGCGGTAGAACTCAAAGAAGAGCCGGCCAGTGCCCTCTGAGA[G>C]GTCGGAAGAGAAAGCCATCAGCTGGGGCTGTCTGCATAGGACAGTGGTGTGGCTCGGGCA-3'